The following is an entry in ClinVar:

ClinVar aggregate classification (germline): Uncertain significance (1 of 4 stars; one submission).

Conditions:
Alagille syndrome due to a JAG1 point mutation. Also called: HEPATIC DUCTULAR HYPOPLASIA, SYNDROMATIC; JAG1-Related Alagille Syndrome; Alagille Syndrome 1. Identifiers: Orphanet 261619, Orphanet 52, MedGen C1956125, MONDO:0016862, OMIM 118450.

Submission:

Labcorp Genetics (formerly Invitae), Labcorp
Classification: Uncertain significance for Alagille syndrome due to a JAG1 point mutation. Last evaluated: 2024-08-29. Review status: criteria provided, single submitter. Criteria: Invitae Variant Classification Sherloc (09022015). Collection method: clinical testing. Allele origin: germline.
Comment: This sequence change replaces lysine, which is basic and polar, with glutamic acid, which is acidic and polar, at codon 246 of the JAG1 protein (p.Lys246Glu). This variant is not present in population databases (gnomAD no frequency). This variant has not been reported in the literature in individuals affected with JAG1-related conditions. Invitae Evidence Modeling of protein sequence and biophysical properties (such as structural, functional, and spatial information, amino acid conservation, physicochemical variation, residue mobility, and thermodynamic stability) indicates that this missense variant is not expected to disrupt JAG1 protein function with a negative predictive value of 95%. In summary, the available evidence is currently insufficient to determine the role of this variant in disease. Therefore, it has been classified as a Variant of Uncertain Significance.

NM_000214.3(JAG1):c.736A>G (p.Lys246Glu)

Gene: JAG1 (jagged canonical Notch ligand 1; minus strand). Cytogenetic location: 20p12.2.
Variant type: single nucleotide variant.
Coding change: c.736A>G on transcript NM_000214.3 (MANE Select); coding-DNA position 736, A replaced by G.
Protein change: p.Lys246Glu; replaces lysine 246 with glutamic acid.
Molecular consequence: missense variant.
Genome position (GRCh38, 1-based): chr20:10,656,417, T>C on the plus strand (A>G on the coding strand, the complement: JAG1 is on the minus strand). VCF-style: chr20-10656417-T-C. GRCh37 (hg19) VCF-style: chr20-10637065-T-C.
Other names: short protein forms K246E.
Identifiers: ClinVar variation 3663873 (VCV003663873.2).